The following is an entry in ClinVar:

NM_000256.3(MYBPC3):c.2146A>G (p.Lys716Glu)

Gene: MYBPC3 (myosin binding protein C3; minus strand). Cytogenetic location: 11p11.2.
Variant type: single nucleotide variant.
Coding change: c.2146A>G on transcript NM_000256.3 (MANE Select); coding-DNA position 2146, A replaced by G.
Protein change: p.Lys716Glu; replaces lysine 716 with glutamic acid.
Molecular consequence: missense variant.
Genome position (GRCh38, 1-based): chr11:47,339,326, T>C on the plus strand (A>G on the coding strand, the complement: MYBPC3 is on the minus strand). VCF-style: chr11-47339326-T-C. GRCh37 (hg19) VCF-style: chr11-47360877-T-C.
Other names: short protein forms K716E.
Identifiers: ClinVar variation 3073151 (VCV003073151.1), dbSNP rs2495754488, ClinGen allele CA380320759.

ClinVar aggregate classification (germline): Uncertain significance (1 of 4 stars; one submission).

Conditions:
Hypertrophic cardiomyopathy. Also called: HYPERTROPHIC MYOCARDIOPATHY. Identifiers: Orphanet 217569, MedGen C0007194, MeSH D002312, MONDO:0005045, HP:0001639.

Submission:

All of Us Research Program, National Institutes of Health
Classification: Uncertain significance for Hypertrophic cardiomyopathy. Last evaluated: 2023-08-23. Review status: criteria provided, single submitter. Criteria: ACMG Guidelines, 2015. Collection method: clinical testing. Allele origin: germline. Inheritance: Autosomal dominant inheritance. Observed: 1 variant allele, 1 heterozygote.
Comment: This missense variant replaces lysine with glutamic acid at codon 716 of the MYBPC3 protein. Computational prediction suggests that this variant may not impact protein structure and function (internally defined REVEL score threshold <= 0.5, PMID: 27666373). To our knowledge, functional studies have not been reported for this variant. This variant has not been reported in individuals affected with MYBPC3-related disorders in the literature. This variant has not been identified in the general population by the Genome Aggregation Database (gnomAD). The available evidence is insufficient to determine the role of this variant in disease conclusively. Therefore, this variant is classified as a Variant of Uncertain Significance.

This study involves interpretation of variants in research participants for the purpose of population health screening. Participant phenotype was not available at the time of variant classification. Additional details can be found in publication PMID: 35346344, PMCID: PMC8962531